The following is an entry in ClinVar:

ClinVar aggregate classification (germline): Pathogenic (1 of 4 stars; one submission).

Conditions:
Hereditary cancer-predisposing syndrome. Also called: Tumor predisposition; Hereditary Cancer Syndrome; Neoplastic Syndromes, Hereditary; Hereditary neoplastic syndrome. Identifiers: Orphanet 140162, MedGen C0027672, MeSH D009386, MONDO:0015356.

Submission:

Ambry Genetics
Classification: Pathogenic for Hereditary cancer-predisposing syndrome. Last evaluated: 2021-10-05. Review status: criteria provided, single submitter. Criteria: Ambry Variant Classification Scheme 2023. Collection method: clinical testing. Allele origin: germline.
Comment: The c.275dupG pathogenic mutation, located in coding exon 3 of the BMPR1A gene, results from a duplication of G at nucleotide position 275, causing a translational frameshift with a predicted alternate stop codon (p.E93Rfs*12). This alteration is expected to result in loss of function by premature protein truncation or nonsense-mediated mRNA decay. As such, this alteration is interpreted as a disease-causing mutation.

NM_004329.3(BMPR1A):c.275dup (p.Glu93fs)

Gene: BMPR1A (bone morphogenetic protein receptor type 1A; plus strand). Cytogenetic location: 10q23.2.
Variant type: Duplication.
Coding change: c.275dup on transcript NM_004329.3 (MANE Select); coding-DNA position 275, one base duplicated (G; older notation c.275dupG).
Protein change: p.Glu93fs; shifts the reading frame from glutamic acid 93.
Molecular consequence: frameshift variant.
Genome position (GRCh38, 1-based): chr10:86,892,171, G duplicated; the last of 3 consecutive G bases (chr10:86,892,169-86,892,171); duplicating any one gives the same sequence. VCF-style (leftmost placement, unchanged base first): chr10-86892168-A-AG. GRCh37 (hg19) VCF-style: chr10-88651925-A-AG.
Other names: c.275dup, p.Glu93Argfs (NM_001406559.1, NM_001406560.1, NM_001406561.1 and 23 more transcripts); c.191dup, p.Glu65Argfs (NM_001406584.1, NM_001406585.1, NM_001406586.1 and 2 more transcripts); c.275dupG (NM_004329.2); short protein forms E93fs.
Identifiers: ClinVar variation 1795664 (VCV001795664.2), dbSNP rs1554888317, ClinGen allele CA2580082092.